The following is an entry in ClinVar:

NM_001458.5(FLNC):c.7600G>A (p.Gly2534Ser)

Genes: FLNC (filamin C; plus strand), FLNC-AS1 (FLNC antisense RNA 1; minus strand). Cytogenetic location: 7q32.1.
Variant type: single nucleotide variant.
Coding change: c.7600G>A on transcript NM_001458.5 (MANE Select); coding-DNA position 7600, G replaced by A.
Protein change: p.Gly2534Ser; replaces glycine 2534 with serine.
Molecular consequence: missense variant.
Genome position (GRCh38, 1-based): chr7:128,857,156, G>A. VCF-style: chr7-128857156-G-A. GRCh37 (hg19) VCF-style: chr7-128497210-G-A.
Other names: c.7501G>A, p.Gly2501Ser (NM_001127487.2); short protein forms G2534S, G2501S.
Identifiers: ClinVar variation 2937402 (VCV002937402.4), dbSNP rs372504725, ClinGen allele CA369219309.

ClinVar aggregate classification (germline): Uncertain significance. Review status: criteria provided, multiple submitters, no conflicts (2 of 4 stars). 2 submissions from 2 submitters: Uncertain significance (2). Last evaluated 2025-08-03.

Conditions:
Hypertrophic cardiomyopathy 26. Also called: Cardiomyopathy, familial hypertrophic, 26. Identifiers: Orphanet 75249, MedGen C4310749, MONDO:0014883, OMIM 617047.
Myofibrillar myopathy 5. Also called: Filaminopathy (type); FILAMINOPATHY, AUTOSOMAL DOMINANT. Identifiers: Orphanet 171445, MedGen C1836050, MONDO:0012289, OMIM 609524.
Distal myopathy with posterior leg and anterior hand involvement. Also called: WILLIAMS DISTAL MYOPATHY. Identifiers: Orphanet 63273, MedGen C3279722, MONDO:0013550, OMIM 614065.

gnomAD v4.1: 2 of 1,614,080 alleles (0.00012%); highest among the groups gnomAD compares: Non-Finnish European, 0.00017%; no homozygotes.

Submissions (2):

Labcorp Genetics (formerly Invitae), Labcorp
Classification: Uncertain significance for Distal myopathy with posterior leg and anterior hand involvement; Myofibrillar myopathy 5; Hypertrophic cardiomyopathy 26. Last evaluated: 2025-08-03. Review status: criteria provided, single submitter. Criteria: Invitae Variant Classification Sherloc (09022015). Collection method: clinical testing. Allele origin: germline.
Comment: This sequence change replaces glycine, which is neutral and non-polar, with serine, which is neutral and polar, at codon 2534 of the FLNC protein (p.Gly2534Ser). This variant is not present in population databases (gnomAD no frequency). This variant has not been reported in the literature in individuals affected with FLNC-related conditions. ClinVar contains an entry for this variant (Variation ID: 2937402). An algorithm developed to predict the effect of missense changes on protein structure and function (PolyPhen-2) suggests that this variant is likely to be disruptive. In summary, the available evidence is currently insufficient to determine the role of this variant in disease. Therefore, it has been classified as a Variant of Uncertain Significance.

GeneDx
Classification: Uncertain significance. Last evaluated: 2025-02-20. Review status: criteria provided, single submitter. Criteria: GeneDx Variant Classification Process June 2021. Collection method: clinical testing. Allele origin: germline. Affected: yes.
Comment: Not observed at significant frequency in large population cohorts (gnomAD); In silico analysis supports that this missense variant has a deleterious effect on protein structure/function; Has not been previously published as pathogenic or benign to our knowledge